The following is an entry in ClinVar:

ClinVar aggregate classification (germline): Conflicting classifications of pathogenicity. Review status: criteria provided, conflicting classifications (1 of 4 stars). 3 submissions from 3 submitters: Likely pathogenic (1); Uncertain significance (1). 1 of the submissions does not count toward it. Last evaluated 2025-07-15.

Conditions:
Spastic paraplegia. Identifiers: MedGen C0037772, HP:0001258.
Charlevoix-Saguenay spastic ataxia (SACS). Also called: SPASTIC ATAXIA 6, AUTOSOMAL RECESSIVE; Spastic ataxia of Charlevoix-Saguenay; AUTOSOMAL RECESSIVE SPASTIC ATAXIA OF CHARLEVOIX-SAGUENAY. Identifiers: Orphanet 98, MedGen C1849140, MONDO:0010041, OMIM 270550.

Allele frequency attached by ClinVar (database versions not stated): gnomAD exomes below 0.00001; ExAC 0.00001.
gnomAD v4.1: 5 of 1,614,026 alleles (0.00031%); highest among the groups gnomAD compares: South Asian, 0.0011%; no homozygotes.

Submissions (3):

Women's Health and Genetics/Laboratory Corporation of America, LabCorp
Classification: Uncertain significance. Last evaluated: 2025-07-15. Review status: criteria provided, single submitter. Criteria: LabCorp Variant Classification Summary - May 2015. Collection method: clinical testing. Allele origin: germline.
Comment: Variant summary: SACS c.11101T>C (p.Trp3701Arg) results in a non-conservative amino acid change in the encoded protein sequence. Algorithms developed to predict the effect of missense changes on protein structure and function all suggest that this variant is likely to be disruptive. The variant allele was found at a frequency of 4e-06 in 251048 control chromosomes. c.11101T>C has been observed in individual(s) affected with Autosomal Recessive Spastic Ataxia Of Charlevoix-Saguenay (Park_2019, internal_testing). These data indicate that the variant may be associated with disease. To our knowledge, no experimental evidence demonstrating an impact on protein function has been reported. The following publication have been ascertained in the context of this evaluation (PMID: 31475473). ClinVar contains an entry for this variant (Variation ID: 619025). Based on the evidence outlined above, the variant was classified as VUS-possibly pathogenic.

Labcorp Genetics (formerly Invitae), Labcorp
Classification: Likely pathogenic for Spastic paraplegia. Last evaluated: 2025-03-20. Review status: criteria provided, single submitter. Criteria: Invitae Variant Classification Sherloc (09022015). Collection method: clinical testing. Allele origin: germline.
Comment: This sequence change replaces tryptophan, which is neutral and slightly polar, with arginine, which is basic and polar, at codon 3701 of the SACS protein (p.Trp3701Arg). This variant is present in population databases (rs773588375, gnomAD 0.003%). This missense change has been observed in individuals with hereditary spastic paraplegia (PMID: 31475473; internal data). ClinVar contains an entry for this variant (Variation ID: 619025). Invitae Evidence Modeling of protein sequence and biophysical properties (such as structural, functional, and spatial information, amino acid conservation, physicochemical variation, residue mobility, and thermodynamic stability) indicates that this missense variant is expected to disrupt SACS protein function with a positive predictive value of 95%. In summary, the currently available evidence indicates that the variant is pathogenic, but additional data are needed to prove that conclusively. Therefore, this variant has been classified as Likely Pathogenic.

Department of Rehabilitation Medicine, Incheon St. Mary’s Hospital, College of Medicine, The Catholic University of Korea
Classification: Affects for Charlevoix-Saguenay spastic ataxia. Last evaluated: 2019-02-11. Review status: no assertion criteria provided. Collection method: research. Allele origin: unknown. Inheritance: Autosomal recessive inheritance. Affected: yes. Observed: 1 compound heterozygote. Not counted in ClinVar's aggregate classification.

Literature cited by the submitters: PubMed 31475473 (cited by Women's Health and Genetics/Laboratory Corporation of America, LabCorp and Labcorp Genetics (formerly Invitae), Labcorp).

NM_014363.6(SACS):c.11101T>C (p.Trp3701Arg)

Gene: SACS (sacsin molecular chaperone; minus strand). Cytogenetic location: 13q12.12.
Variant type: single nucleotide variant.
Coding change: c.11101T>C on transcript NM_014363.6 (MANE Select); coding-DNA position 11101, T replaced by C.
Protein change: p.Trp3701Arg; replaces tryptophan 3701 with arginine.
Molecular consequence: missense variant.
Genome position (GRCh38, 1-based): chr13:23,332,775, A>G on the plus strand (T>C on the coding strand, the complement: SACS is on the minus strand). VCF-style: chr13-23332775-A-G. GRCh37 (hg19) VCF-style: chr13-23906914-A-G.
Other names: c.10660T>C, p.Trp3554Arg (NM_001278055.2); short protein forms W3701R, W3554R.
Identifiers: ClinVar variation 619025 (VCV000619025.4), dbSNP rs773588375, ClinGen allele CA6910340.